The following is an entry in ClinVar:

NM_004744.5(LRAT):c.253dup (p.Met85fs)

Gene: LRAT (lecithin retinol acyltransferase; plus strand). Cytogenetic location: 4q32.1.
Variant type: Duplication.
Coding change: c.253dup on transcript NM_004744.5 (MANE Select); coding-DNA position 253, one base duplicated (A; older notation c.253dupA).
Protein change: p.Met85fs; shifts the reading frame from methionine 85.
Molecular consequence: frameshift variant.
Genome position (GRCh38, 1-based): chr4:154,744,579, A duplicated. VCF-style (leftmost placement, unchanged base first): chr4-154744578-C-CA. GRCh37 (hg19) VCF-style: chr4-155665730-C-CA.
Other names: c.253dup, p.Met85fs (NM_001301645.2); short protein forms M85fs.
Identifiers: ClinVar variation 3649032 (VCV003649032.2).

ClinVar aggregate classification (germline): Pathogenic (1 of 4 stars; one submission).

Submission:

Labcorp Genetics (formerly Invitae), Labcorp
Classification: Pathogenic. Last evaluated: 2024-04-06. Review status: criteria provided, single submitter. Criteria: Invitae Variant Classification Sherloc (09022015). Collection method: clinical testing. Allele origin: germline.
Comment: This sequence change creates a premature translational stop signal (p.Met85Asnfs*37) in the LRAT gene. It is expected to result in an absent or disrupted protein product. Loss-of-function variants in LRAT are known to be pathogenic (PMID: 22559933, 24265693). This variant is not present in population databases (gnomAD no frequency). This variant has not been reported in the literature in individuals affected with LRAT-related conditions. For these reasons, this variant has been classified as Pathogenic.

Literature cited by the submitters: PubMed 22559933; PubMed 24265693.